The following is an entry in ClinVar:

NM_004369.4(COL6A3):c.7513G>A (p.Gly2505Arg)

Gene: COL6A3 (collagen type VI alpha 3 chain; minus strand). Cytogenetic location: 2q37.3.
Variant type: single nucleotide variant.
Coding change: c.7513G>A on transcript NM_004369.4 (MANE Select); coding-DNA position 7513, G replaced by A.
Protein change: p.Gly2505Arg; replaces glycine 2505 with arginine.
Molecular consequence: missense variant.
Genome position (GRCh38, 1-based): chr2:237,344,505, C>T on the plus strand (G>A on the coding strand, the complement: COL6A3 is on the minus strand). VCF-style: chr2-237344505-C-T. GRCh37 (hg19) VCF-style: chr2-238253148-C-T.
Other names: c.5692G>A, p.Gly1898Arg (NM_057166.5); c.6895G>A, p.Gly2299Arg (NM_057167.4); short protein forms G2505R, G1898R, G2299R.
Identifiers: ClinVar variation 290462 (VCV000290462.24), dbSNP rs545819982, ClinGen allele CA2187792.

ClinVar aggregate classification (germline): Conflicting classifications of pathogenicity. Review status: criteria provided, conflicting classifications (1 of 4 stars). 7 submissions from 7 submitters: Uncertain significance (6); Likely benign (1). Last evaluated 2026-08-05.

Conditions:
COL6A3-related disorder. Also called: COL6A3-related condition; COL6A3-related disorders.
Bethlem myopathy 1A. Also called: MYOPATHY, BENIGN CONGENITAL, WITH CONTRACTURES; Bethlem myopathy 1; Bethlem Muscular Dystrophy. Identifiers: Orphanet 610, MedGen CN029274, MONDO:0024530, OMIM 158810.

Allele frequency attached by ClinVar (database versions not stated): gnomAD exomes 0.00003 and 0.00009; ExAC 0.00007; 1000 Genomes Project 30x 0.00016; 1000 Genomes Project 0.00020; gnomAD 0.00023 and 0.00024; TOPMed 0.00038.
gnomAD v4.1: 88 of 1,614,192 alleles (0.0055%); highest among the groups gnomAD compares: Admixed American, 0.1%; no homozygotes.

Submissions (7):

GeneDx
Classification: Uncertain significance. Last evaluated: 2026-08-05. Review status: criteria provided, single submitter. Criteria: GeneDx Variant Classification Process June 2021. Collection method: clinical testing. Allele origin: germline.
Comment: Reported in a patient with a clinical diagnosis of limb girdle muscular dystrophy and in another patient with sporadic Parkinson's disease (PMID: 30564623, 33964895); In silico analysis supports that this missense variant has a deleterious effect on protein structure/function; This variant is associated with the following publications: (PMID: 30564623, 33964895)

PreventionGenetics, part of Exact Sciences
Classification: Uncertain significance for COL6A3-related condition. Last evaluated: 2026-03-27. Review status: criteria provided, single submitter. Criteria: ACMG Guidelines, 2015. Collection method: clinical testing. Allele origin: germline.
Comment: The COL6A3 c.7513G>A variant is predicted to result in the amino acid substitution p.Gly2505Arg. This variant was reported as a variant of uncertain significance in a limb-girdle muscular dystrophy cohort (Table S7, Nallamilli et al. 2018. PubMed ID: 30564623). It was also reported in an individual with Parkinson's disease (described as c.5692G>A, p.Gly1898Arg based on transcript NM_057166.4 in Jin et al. 2021. PubMed ID: 33964895). Of note, this Gly substitution is not within the triple helix domain of COL6A3 (residues 2039-2375). This variant is reported in 0.048% of alleles in individuals of Latino descent in gnomAD, which may be too frequent to be a primary cause of autosomal dominant disease. At this time, the clinical significance of this variant is uncertain due to the absence of conclusive functional and genetic evidence.

Labcorp Genetics (formerly Invitae), Labcorp
Classification: Likely benign for Bethlem myopathy 1A. Last evaluated: 2025-12-11. Review status: criteria provided, single submitter. Criteria: Invitae Variant Classification Sherloc (09022015). Collection method: clinical testing. Allele origin: germline.

Blueprint Genetics
Classification: Uncertain significance. Last evaluated: 2022-08-19. Review status: criteria provided, single submitter. Criteria: ACMG Guidelines, 2015. Collection method: clinical testing. Allele origin: germline.

Revvity Omics, Revvity
Classification: Uncertain significance. Last evaluated: 2022-03-25. Review status: criteria provided, single submitter. Criteria: ACMG Guidelines, 2015. Collection method: clinical testing. Allele origin: germline.

Eurofins Ntd Llc (ga)
Classification: Uncertain significance. Last evaluated: 2016-09-23. Review status: criteria provided, single submitter. Criteria: EGL Classification Definitions 2015. Collection method: clinical testing. Allele origin: germline. Observed: 1 variant allele, 1 heterozygote.

Breakthrough Genomics
Classification: Uncertain significance. Review status: criteria provided, single submitter. Criteria: ACMG Guidelines, 2015. Collection method: not provided. Allele origin: germline. Inheritance: Autosomal recessive inheritance. Affected: yes.